The following is an entry in ClinVar:

NM_003924.4(PHOX2B):c.601A>G (p.Asn201Asp)

Gene: PHOX2B (paired like homeobox 2B; minus strand). Cytogenetic location: 4p13.
Variant type: single nucleotide variant.
Coding change: c.601A>G on transcript NM_003924.4 (MANE Select); coding-DNA position 601, A replaced by G.
Protein change: p.Asn201Asp; replaces asparagine 201 with aspartic acid.
Molecular consequence: missense variant.
Genome position (GRCh38, 1-based): chr4:41,746,151, T>C on the plus strand (A>G on the coding strand, the complement: PHOX2B is on the minus strand). VCF-style: chr4-41746151-T-C. GRCh37 (hg19) VCF-style: chr4-41748168-T-C.
Other names: short protein forms N201D.
Identifiers: ClinVar variation 4666105 (VCV004666105.1).

ClinVar aggregate classification (germline): Uncertain significance (1 of 4 stars; one submission).

Conditions:
Hereditary cancer-predisposing syndrome. Also called: Neoplastic Syndromes, Hereditary; Tumor predisposition; Hereditary Cancer Syndrome; Hereditary neoplastic syndrome. Identifiers: Orphanet 140162, MedGen C0027672, MeSH D009386, MONDO:0015356.

Submission:

Ambry Genetics
Classification: Uncertain significance for Hereditary cancer-predisposing syndrome. Last evaluated: 2025-11-24. Review status: criteria provided, single submitter. Criteria: Ambry Variant Classification Scheme 2023. Collection method: clinical testing. Allele origin: germline.
Comment: The p.N201D variant (also known as c.601A>G), located in coding exon 3 of the PHOX2B gene, results from an A to G substitution at nucleotide position 601. The asparagine at codon 201 is replaced by aspartic acid, an amino acid with highly similar properties. This amino acid position is conserved. In addition, this alteration is predicted to be tolerated by in silico analysis. Based on the available evidence, the clinical significance of this variant remains unclear.